The following is an entry in ClinVar:

ClinVar aggregate classification (germline): Uncertain significance. Review status: criteria provided, multiple submitters, no conflicts (2 of 4 stars). 2 submissions from 2 submitters: Uncertain significance (2). Last evaluated 2025-06-02.

Allele frequency attached by ClinVar (database versions not stated): TOPMed 0.00001.

Submissions (2):

Labcorp Genetics (formerly Invitae), Labcorp
Classification: Uncertain significance. Last evaluated: 2025-06-02. Review status: criteria provided, single submitter. Criteria: Invitae Variant Classification Sherloc (09022015). Collection method: clinical testing. Allele origin: germline.
Comment: This sequence change replaces leucine, which is neutral and non-polar, with tryptophan, which is neutral and slightly polar, at codon 23 of the GRIA3 protein (p.Leu23Trp). This variant is not present in population databases (gnomAD no frequency). This variant has not been reported in the literature in individuals affected with GRIA3-related conditions. ClinVar contains an entry for this variant (Variation ID: 1803397). An algorithm developed to predict the effect of missense changes on protein structure and function (PolyPhen-2) suggests that this variant is likely to be tolerated. In summary, the available evidence is currently insufficient to determine the role of this variant in disease. Therefore, it has been classified as a Variant of Uncertain Significance.

GeneDx
Classification: Uncertain significance. Last evaluated: 2025-05-30. Review status: criteria provided, single submitter. Criteria: GeneDx Variant Classification Process June 2021. Collection method: clinical testing. Allele origin: germline.
Comment: Not observed at significant frequency in large population cohorts (gnomAD); In silico analysis supports that this missense variant has a deleterious effect on protein structure/function; Has not been previously published as pathogenic or benign to our knowledge

NM_007325.5(GRIA3):c.68T>G (p.Leu23Trp)

Gene: GRIA3 (glutamate ionotropic receptor AMPA type subunit 3; plus strand). Cytogenetic location: Xq25.
Variant type: single nucleotide variant.
Coding change: c.68T>G on transcript NM_007325.5 (MANE Select); coding-DNA position 68, T replaced by G.
Protein change: p.Leu23Trp; replaces leucine 23 with tryptophan.
Molecular consequence: missense variant.
Genome position (GRCh38, 1-based): chrX:123,184,603, T>G. VCF-style: chrX-123184603-T-G. GRCh37 (hg19) VCF-style: chrX-122318455-T-G.
Other names: c.68T>G, p.Leu23Trp (NM_000828.5, NM_001256743.2); short protein forms L23W.
Identifiers: ClinVar variation 1803397 (VCV001803397.5), dbSNP rs1927197500, ClinGen allele CA414254824.
Genomic context (GRCh38, chrX:123,184,603, plus strand): 5'-GGCAGAAGAAAATGGGGCAAAGCGTGCTCCGGGCGGTCTTCTTTTTAGTCCTGGGGCTTT[T>G]GGGTCATTCTCACGGAGGATTCCCCAACACCATCAGCATAGGTAAGCGCAAGCGAGCCAG-3'
Protein context (NP_015564.5, residues 13-33): RAVFFLVLGL[Leu23Trp]GHSHGGFPNT